The following is an entry in ClinVar:

ClinVar aggregate classification (germline): Likely benign. Review status: criteria provided, multiple submitters, no conflicts (2 of 4 stars). 4 submissions from 4 submitters: Likely benign (3). 1 of the submissions does not count toward it. Last evaluated 2023-09-27.

Conditions:
Fanconi anemia (FA). Also called: Fanconi's anemia. Identifiers: Orphanet 84, MedGen C0015625, MeSH D005199, MONDO:0019391.
Hereditary cancer-predisposing syndrome. Also called: Hereditary Cancer Syndrome; Neoplastic Syndromes, Hereditary; Tumor predisposition; Hereditary neoplastic syndrome. Identifiers: Orphanet 140162, MedGen C0027672, MeSH D009386, MONDO:0015356.

Allele frequency attached by ClinVar (database versions not stated): gnomAD exomes below 0.00001 and 0.00001.
gnomAD v4.1: 12 of 1,614,190 alleles (0.00074%); highest among the groups gnomAD compares: Non-Finnish European, 0.00076%; no homozygotes.

Submissions (4):

Labcorp Genetics (formerly Invitae), Labcorp
Classification: Likely benign for Fanconi anemia. Last evaluated: 2023-09-27. Review status: criteria provided, single submitter. Criteria: Invitae Variant Classification Sherloc (09022015). Collection method: clinical testing. Allele origin: germline.

Ambry Genetics
Classification: Likely benign for Hereditary cancer-predisposing syndrome. Last evaluated: 2019-12-30. Review status: criteria provided, single submitter. Criteria: Ambry Variant Classification Scheme 2023. Collection method: clinical testing. Allele origin: germline.

GeneDx
Classification: Likely benign. Last evaluated: 2017-11-28. Review status: criteria provided, single submitter. Criteria: GeneDx Variant Classification (06012015). Collection method: clinical testing. Allele origin: germline. Affected: yes.
Comment: This variant is considered likely benign or benign based on one or more of the following criteria: it is a conservative change, it occurs at a poorly conserved position in the protein, it is predicted to be benign by multiple in silico algorithms, and/or has population frequency not consistent with disease.

Natera, Inc.
Classification: Likely benign for Fanconi anemia. Last evaluated: 2021-04-20. Review status: no assertion criteria provided. Collection method: clinical testing. Allele origin: germline. Not counted in ClinVar's aggregate classification.

NM_000136.3(FANCC):c.1107G>A (p.Lys369=)

Genes: AOPEP (aminopeptidase O (putative); plus strand), FANCC (FA complementation group C; minus strand). Cytogenetic location: 9q22.32.
Variant type: single nucleotide variant.
Coding change: c.1107G>A on transcript NM_000136.3 (MANE Select); coding-DNA position 1107, G replaced by A.
Protein change: p.Lys369=; no amino-acid change (lysine 369 retained).
Molecular consequence: synonymous variant.
Genome position (GRCh38, 1-based): chr9:95,114,676, C>T on the plus strand (G>A on the coding strand, the complement: FANCC is on the minus strand). VCF-style: chr9-95114676-C-T. GRCh37 (hg19) VCF-style: chr9-97876958-C-T.
Other names: c.1107G>A, p.Lys369= (NM_001243743.2, NM_001243744.2).
Identifiers: ClinVar variation 513751 (VCV000513751.12), dbSNP rs1321399501, ClinGen allele CA466095355.